The following is an entry in ClinVar:

NM_000138.5(FBN1):c.7111T>C (p.Trp2371Arg)

Gene: FBN1 (fibrillin 1; minus strand). Cytogenetic location: 15q21.1.
Variant type: single nucleotide variant.
Coding change: c.7111T>C on transcript NM_000138.5 (MANE Select); coding-DNA position 7111, T replaced by C.
Protein change: p.Trp2371Arg; replaces tryptophan 2371 with arginine.
Molecular consequence: missense variant.
Genome position (GRCh38, 1-based): chr15:48,427,660, A>G on the plus strand (T>C on the coding strand, the complement: FBN1 is on the minus strand). VCF-style: chr15-48427660-A-G. GRCh37 (hg19) VCF-style: chr15-48719857-A-G.
Other names: p.W2371R:TGG>CGG; short protein forms W2371R.
Identifiers: ClinVar variation 200104 (VCV000200104.7), dbSNP rs794728264, ClinGen allele CA017020.

ClinVar aggregate classification (germline): Conflicting classifications of pathogenicity. Review status: criteria provided, conflicting classifications (1 of 4 stars). 3 submissions from 3 submitters: Pathogenic (1); Likely pathogenic (1); Uncertain significance (1). Last evaluated 2026-02-09.

Conditions:
Marfan syndrome (MFS). Also called: MARFAN SYNDROME, TYPE I; FBN1-Related Marfan Syndrome; Marfan syndrome, classic; Marfan syndrome type 1; Marfan's syndrome. Identifiers: Orphanet 284963, Orphanet 558, MedGen C0024796, MONDO:0007947, OMIM 154700.
Familial thoracic aortic aneurysm and aortic dissection (TAAD). Also called: Thoracic aortic aneurysms and dissections. Identifiers: Orphanet 91387, MedGen C4707243, MONDO:0019625.

Submissions (3):

Ambry Genetics
Classification: Likely pathogenic for Familial thoracic aortic aneurysm and aortic dissection. Last evaluated: 2026-02-09. Review status: criteria provided, single submitter. Criteria: Ambry Variant Classification Scheme 2023. Collection method: clinical testing. Allele origin: germline.
Comment: The p.W2371R variant (also known as c.7111T>C), located in coding exon 57 of the FBN1 gene, results from a T to C substitution at nucleotide position 7111. The tryptophan at codon 2371 is replaced by arginine, an amino acid with dissimilar properties. This amino acid position is highly conserved in available vertebrate species. In addition, this alteration is predicted to be deleterious by in silico analysis. This variant is considered to be rare based on population cohorts in the Genome Aggregation Database (gnomAD). This variant has been observed in individuals with features consistent with Marfan syndrome and related fibrillinopathies (Hung CC et al. Ann Hum Genet, 2009 Nov;73:559-67). Based on the majority of available evidence to date, this variant is likely to be pathogenic.

Labcorp Genetics (formerly Invitae), Labcorp
Classification: Pathogenic for Marfan syndrome; Familial thoracic aortic aneurysm and aortic dissection. Last evaluated: 2025-12-10. Review status: criteria provided, single submitter. Criteria: Invitae Variant Classification Sherloc (09022015). Collection method: clinical testing. Allele origin: germline.
Comment: This sequence change replaces tryptophan, which is neutral and slightly polar, with arginine, which is basic and polar, at codon 2371 of the FBN1 protein (p.Trp2371Arg). This variant is not present in population databases (gnomAD no frequency). This missense change has been observed in individual(s) with Marfan syndrome (PMID: 19839986; internal data). ClinVar contains an entry for this variant (Variation ID: 200104). Invitae Evidence Modeling of protein sequence and biophysical properties (such as structural, functional, and spatial information, amino acid conservation, physicochemical variation, residue mobility, and thermodynamic stability) indicates that this missense variant is expected to disrupt FBN1 protein function with a positive predictive value of 95%. For these reasons, this variant has been classified as Pathogenic.

GeneDx
Classification: Uncertain significance. Last evaluated: 2019-12-31. Review status: criteria provided, single submitter. Criteria: GeneDx Variant Classification Process June 2021. Collection method: clinical testing. Allele origin: germline. Affected: yes.
Comment: Not observed in large population cohorts (Lek et al., 2016); In silico analysis, which includes protein predictors and evolutionary conservation, supports a deleterious effect; Does not affect a cysteine residue within a calcium-binding EGF-like domain of the FBN1 gene; cysteine substitutions in the calcium-binding EGF-like domains represent the majority of pathogenic missense changes associated with FBN1 related disorders (Collod-Beroud et al., 2003).; This variant is associated with the following publications: (PMID: 19839986)

Literature cited by the submitters: PubMed 19839986 (cited by Ambry Genetics and Labcorp Genetics (formerly Invitae), Labcorp).